The following is an entry in ClinVar:

NM_130384.3(ATRIP):c.830-1G>A

Genes: ATRIP (ATR interacting protein; plus strand), ATRIP-TREX1 (ATRIP-TREX1 readthrough; plus strand). Cytogenetic location: 3p21.31.
Variant type: single nucleotide variant.
Coding change: c.830-1G>A on transcript NM_130384.3 (MANE Select); the canonical splice acceptor site of the intron before coding-DNA position 830, G replaced by A.
Molecular consequence: splice acceptor variant.
Genome position (GRCh38, 1-based): chr3:48,459,358, G>A. VCF-style: chr3-48459358-G-A. GRCh37 (hg19) VCF-style: chr3-48500757-G-A.
Other names: c.830-1G>A (NM_032166.4); c.449-1G>A (NM_001271022.2); c.551-1G>A (NM_001271023.2).
Identifiers: ClinVar variation 5032434 (VCV005032434.1).

ClinVar aggregate classification (germline): Uncertain significance (1 of 4 stars; one submission).

Submission:

Ambry Genetics
Classification: Uncertain significance. Last evaluated: 2026-08-03. Review status: criteria provided, single submitter. Criteria: Ambry Variant Classification Scheme 2023. Collection method: clinical testing. Allele origin: germline.
Comment: The c.830-1G>A intronic variant results from a G to A substitution one nucleotide upstream from coding exon 6 of the ATRIP gene. This nucleotide position is highly conserved in available vertebrate species. In silico splice site analysis predicts that this alteration will weaken the native splice acceptor site. The evidence for this gene-disease relationship is limited; therefore, the clinical significance of this variant is unclear.